The following is an entry in ClinVar:

ClinVar aggregate classification (germline): Uncertain significance (1 of 4 stars; one submission).

Submission:

GeneDx
Classification: Uncertain significance. Last evaluated: 2026-04-10. Review status: criteria provided, single submitter. Criteria: GeneDx Variant Classification Process June 2021. Collection method: clinical testing. Allele origin: germline.
Comment: Not observed at significant frequency in large population cohorts (gnomAD); In silico analysis suggests that this missense variant does not alter protein structure/function; Has not been previously published as pathogenic or benign to our knowledge

NM_001394998.1(TANC2):c.180C>A (p.Asp60Glu)

Gene: TANC2 (tetratricopeptide repeat, ankyrin repeat and coiled-coil containing 2; plus strand). Cytogenetic location: 17q23.2.
Variant type: single nucleotide variant.
Coding change: c.180C>A on transcript NM_001394998.1 (MANE Select); coding-DNA position 180, C replaced by A.
Protein change: p.Asp60Glu; replaces aspartic acid 60 with glutamic acid.
Molecular consequence: missense variant.
Genome position (GRCh38, 1-based): chr17:63,099,215, C>A. VCF-style: chr17-63099215-C-A. GRCh37 (hg19) VCF-style: chr17-61176576-C-A.
Other names: c.180C>A, p.Asp60Glu (NM_001411076.1, NM_025185.4); short protein forms D60E.
Identifiers: ClinVar variation 2573698 (VCV002573698.2), dbSNP rs2510032672, ClinGen allele CA400791593.